The following is an entry in ClinVar:

NM_001358530.2(MOCS1):c.394C>T (p.Arg132Trp)

Gene: MOCS1 (molybdenum cofactor synthesis 1; minus strand). Cytogenetic location: 6p21.2.
Variant type: single nucleotide variant.
Coding change: c.394C>T on transcript NM_001358530.2 (MANE Select); coding-DNA position 394, C replaced by T.
Protein change: p.Arg132Trp; replaces arginine 132 with tryptophan.
Molecular consequence: missense variant. On other transcripts: non-coding transcript variant (1).
Genome position (GRCh38, 1-based): chr6:39,925,702, G>A on the plus strand (C>T on the coding strand, the complement: MOCS1 is on the minus strand). VCF-style: chr6-39925702-G-A. GRCh37 (hg19) VCF-style: chr6-39893446-G-A.
Other names: c.394C>T, p.Arg132Trp (NM_001075098.4, NM_001358529.2, NM_005943.6); c.133C>T, p.Arg45Trp (NM_001358531.2, NM_001358533.2, NM_001358534.2); short protein forms R132W, R45W.
Identifiers: ClinVar variation 809931 (VCV000809931.57), dbSNP rs377167949, ClinGen allele CA3796317.

ClinVar aggregate classification (germline): Conflicting classifications of pathogenicity. Review status: criteria provided, conflicting classifications (1 of 4 stars). 7 submissions from 7 submitters: Likely pathogenic (1); Uncertain significance (5); Likely benign (1). Last evaluated 2026-06-30.

Conditions:
Sulfite oxidase deficiency due to molybdenum cofactor deficiency type A. Also called: Molybdenum cofactor deficiency, complementation group A; Molybdenum Cofactor Deficiency A. Identifiers: Orphanet 308386, Orphanet 833, MedGen C1854988, MONDO:0009643, OMIM 252150.

Allele frequency attached by ClinVar (database versions not stated): gnomAD exomes 0.00009 and 0.00031; ESP Exome Variant Server 0.00015; TOPMed 0.00033; ExAC 0.00036; gnomAD 0.00041 and 0.00049; 1000 Genomes Project 30x 0.00156; 1000 Genomes Project 0.00160.
gnomAD v4.1: 226 of 1,612,782 alleles (0.014%); highest among the groups gnomAD compares: East Asian, 0.14%; 2 homozygotes.

Submissions (7):

Women's Health and Genetics/Laboratory Corporation of America, LabCorp
Classification: Uncertain significance. Last evaluated: 2026-06-30. Review status: criteria provided, single submitter. Criteria: LabCorp Variant Classification Summary - May 2015. Collection method: clinical testing. Allele origin: germline.
Comment: Variant summary: MOCS1 c.394C>T (p.Arg132Trp) results in a non-conservative amino acid change in the encoded protein sequence. Algorithms developed to predict the effect of missense changes on protein structure and function all suggest that this variant is likely to be disruptive. The variant allele was found at a frequency of 0.00031 in 249818 control chromosomes, predominantly at a frequency of 0.0024 within the East Asian subpopulation in the gnomAD database. This frequency is not significantly higher than estimated for disease-causing variants in MOCS1, allowing no conclusion about variant significance. c.394C>T has been observed in individuals affected with Molybdenum cofactor deficiency (e.g. Reiss_2011, Spiegel_2022). These reports do not provide unequivocal conclusions about association of the variant with disease. To our knowledge, no experimental evidence demonstrating an impact on protein function has been reported. The following publications have been ascertained in the context of this evaluation (PMID: 21031595, 35192225). ClinVar contains an entry for this variant (Variation ID: 809931). Based on the evidence outlined above, the variant was classified as uncertain significance.

Labcorp Genetics (formerly Invitae), Labcorp
Classification: Likely benign for Sulfite oxidase deficiency due to molybdenum cofactor deficiency type A. Last evaluated: 2026-01-26. Review status: criteria provided, single submitter. Criteria: Invitae Variant Classification Sherloc (09022015). Collection method: clinical testing. Allele origin: germline.

Blueprint Genetics
Classification: Uncertain significance. Last evaluated: 2024-10-23. Review status: criteria provided, single submitter. Criteria: ACMG Guidelines, 2015. Collection method: clinical testing. Allele origin: germline.

Baylor Genetics
Classification: Uncertain significance for Sulfite oxidase deficiency due to molybdenum cofactor deficiency type A. Last evaluated: 2019-03-29. Review status: criteria provided, single submitter. Criteria: ACMG Guidelines, 2015. Collection method: clinical testing. Allele origin: unknown. Affected: yes.
Comment: This variant was determined to be of uncertain significance according to ACMG Guidelines, 2015 [PMID:25741868].

CeGaT Center for Human Genetics Tuebingen
Classification: Likely pathogenic. Last evaluated: 2019-02-01. Review status: criteria provided, single submitter. Criteria: CeGaT Center For Human Genetics Tuebingen Variant Classification Criteria Version 2. Collection method: clinical testing. Allele origin: germline. Affected: yes. Observed: 1 variant allele.

Illumina Laboratory Services, Illumina
Classification: Uncertain significance for Sulfite oxidase deficiency due to molybdenum cofactor deficiency type A. Last evaluated: 2017-04-27. Review status: criteria provided, single submitter. Criteria: ICSL Variant Classification Criteria 13 December 2019. Collection method: clinical testing. Allele origin: germline.
Comment: This variant was observed as part of a predisposition screen in an ostensibly healthy population. A literature search was performed for the gene, cDNA change, and amino acid change (where applicable). Publications were found based on this search. However, the evidence from the literature, in combination with allele frequency data from public databases where available, was not sufficient to rule this variant in or out of causing disease. Therefore, this variant is classified as a variant of unknown significance.

Juno Genomics, Hangzhou Juno Genomics, Inc
Classification: Uncertain significance for Sulfite oxidase deficiency due to molybdenum cofactor deficiency type A. Review status: criteria provided, single submitter. Criteria: ACMG Guidelines, 2015. Collection method: clinical testing. Allele origin: germline.
Comment: Absent from controls (or at extremely low frequency if recessive) in Genome Aggregation Database.;Multiple lines of computational evidence support a deleterious effect on the gene or gene product.;For recessive disorders, detected in trans with a pathogenic variant.

Literature cited by the submitters: PubMed 21031595 (cited by Women's Health and Genetics/Laboratory Corporation of America, LabCorp and Illumina Laboratory Services, Illumina); PubMed 35192225 (cited by Women's Health and Genetics/Laboratory Corporation of America, LabCorp).